The following is an entry in ClinVar:

ClinVar aggregate classification (germline): Pathogenic (3 of 4 stars; one submission).

Conditions:
Breast-ovarian cancer, familial, susceptibility to, 2 (BROVCA2). Also called: BRCA2 Hereditary Breast and Ovarian Cancer. Identifiers: Orphanet 145, MedGen C2675520, MONDO:0012933, OMIM 612555. Disease mechanism: loss of function.

Submission:

Evidence-based Network for the Interpretation of Germline Mutant Alleles (ENIGMA)
Classification: Pathogenic for Breast-ovarian cancer, familial, susceptibility to, 2. Last evaluated: 2017-12-15. Review status: reviewed by expert panel. Criteria: ENIGMA BRCA1/2 Classification Criteria (2017-06-29). Collection method: curation. Allele origin: germline. Study: ENIGMA.
Comment: Variant allele predicted to encode a truncated non-functional protein.

NM_000059.4(BRCA2):c.1189_1192dup (p.Leu398fs)

Gene: BRCA2 (BRCA2 DNA repair associated; plus strand). Cytogenetic location: 13q13.1.
Variant type: Duplication.
Coding change: c.1189_1192dup on transcript NM_000059.4 (MANE Select); coding-DNA positions 1189 to 1192, 4 bases duplicated (CAAC; older notation c.1189_1192dupCAAC).
Protein change: p.Leu398fs; shifts the reading frame from leucine 398.
Molecular consequence: frameshift variant.
Genome position (GRCh38, 1-based): chr13:32,332,667-32,332,670, CAAC duplicated. VCF-style (leftmost placement, unchanged base first): chr13-32332666-T-TCAAC. GRCh37 (hg19) VCF-style: chr13-32906803-T-TCAAC.
Other names: c.1189_1192dupCAAC (NM_000059.3); short protein forms L398fs.
Identifiers: ClinVar variation 548442 (VCV000548442.1), dbSNP rs1555281769, ClinGen allele CA658823684.
Genomic context (GRCh38, chr13:32,332,666, plus strand): 5'-TGAGAGTGGAAGTGACAAAATCTCCAAGGAAGTTGTACCGTCTTTGGCCTGTGAATGGTC[T>TCAAC]CAACTAACCCTTTCAGGTCTAAATGGAGCCCAGATGGAGAAAATACCCCTATTGCATATT-3'